The following is an entry in ClinVar:

NM_012418.4(FSCN2):c.371C>T (p.Ala124Val)

Gene: FSCN2 (fascin actin-bundling protein 2, retinal; plus strand). Cytogenetic location: 17q25.3.
Variant type: single nucleotide variant.
Coding change: c.371C>T on transcript NM_012418.4 (MANE Select); coding-DNA position 371, C replaced by T.
Protein change: p.Ala124Val; replaces alanine 124 with valine.
Molecular consequence: missense variant.
Genome position (GRCh38, 1-based): chr17:81,528,902, C>T. VCF-style: chr17-81528902-C-T. GRCh37 (hg19) VCF-style: chr17-79495928-C-T.
Other names: c.371C>T, p.Ala124Val (NM_001077182.3); short protein forms A124V.
Identifiers: ClinVar variation 1058289 (VCV001058289.9), dbSNP rs1555670656, ClinGen allele CA401470771.
Genomic context (GRCh38, chr17:81,528,902, plus strand): 5'-CCGAGCCGCACGGCCGCTTCTTCGGAGGCACCGAGGACCAGCTGTCCTGCTTCGCCACAG[C>T]CGTTTCCCCGGCCGAGCTGTGGACCGTGCACCTGGCCATCCACCCGCAGGCCCACCTGCT-3'
Protein context (NP_036550.1, residues 114-134): TEDQLSCFAT[Ala124Val]VSPAELWTVH

ClinVar aggregate classification (germline): Uncertain significance (1 of 4 stars; one submission).

gnomAD v4.1: 2 of 1,584,392 alleles (0.00013%); highest among the groups gnomAD compares: Non-Finnish European, 0.000086%; no homozygotes.

Submission:

Labcorp Genetics (formerly Invitae), Labcorp
Classification: Uncertain significance. Last evaluated: 2020-03-10. Review status: criteria provided, single submitter. Criteria: Invitae Variant Classification Sherloc (09022015). Collection method: clinical testing. Allele origin: germline.
Comment: In summary, the available evidence is currently insufficient to determine the role of this variant in disease. Therefore, it has been classified as a Variant of Uncertain Significance. This sequence change replaces alanine with valine at codon 124 of the FSCN2 protein (p.Ala124Val). The alanine residue is moderately conserved and there is a small physicochemical difference between alanine and valine. This variant is not present in population databases (ExAC no frequency). This variant has not been reported in the literature in individuals with FSCN2-related conditions. Algorithms developed to predict the effect of missense changes on protein structure and function (SIFT, PolyPhen-2, Align-GVGD) all suggest that this variant is likely to be tolerated, but these predictions have not been confirmed by published functional studies and their clinical significance is uncertain.